The following is an entry in ClinVar:

NM_174936.4(PCSK9):c.1510G>T (p.Gly504Trp)

Gene: PCSK9 (proprotein convertase subtilisin/kexin type 9; plus strand). Cytogenetic location: 1p32.3.
Variant type: single nucleotide variant.
Coding change: c.1510G>T on transcript NM_174936.4 (MANE Select); coding-DNA position 1510, G replaced by T.
Protein change: p.Gly504Trp; replaces glycine 504 with tryptophan.
Molecular consequence: missense variant.
Genome position (GRCh38, 1-based): chr1:55,059,492, G>T. VCF-style: chr1-55059492-G-T. GRCh37 (hg19) VCF-style: chr1-55525165-G-T.
Other names: c.1633G>T, p.Gly545Trp (NM_001407240.1); c.1552G>T, p.Gly518Trp (NM_001407241.1); c.1513G>T, p.Gly505Trp (NM_001407242.1); c.1453G>T, p.Gly485Trp (NM_001407243.1); c.1336G>T, p.Gly446Trp (NM_001407244.1); c.1318G>T, p.Gly440Trp (NM_001407245.1); c.1135G>T, p.Gly379Trp (NM_001407246.1); short protein forms G504W, G440W, G545W, G379W, G505W, G446W, G485W, G518W.
Identifiers: ClinVar variation 926534 (VCV000926534.17), dbSNP rs374455190, ClinGen allele CA037876.

ClinVar aggregate classification (germline): Uncertain significance. Review status: criteria provided, multiple submitters, no conflicts (2 of 4 stars). 5 submissions from 5 submitters: Uncertain significance (5). Last evaluated 2025-04-22.

Conditions:
Hypercholesterolemia, autosomal dominant, 3 (FHCL3). Also called: PCSK9-Related Familial Hypercholesterolemia, Autosomal Dominant; Familial hypercholesterolemia 3; Familial Hypercholesterolemia, Autosomal Dominant, 3. Identifiers: MedGen C1863551, MONDO:0011369, OMIM 603776.
Familial hypercholesterolemia. Also called: Familial hypercholesterolaemia; Familial hypercholesterolemias. Identifiers: MedGen C0020445, MONDO:0005439.

Allele frequency attached by ClinVar (database versions not stated): TOPMed 0.00001; gnomAD exomes 0.00002; ExAC 0.00004; ESP Exome Variant Server 0.00008.
gnomAD v4.1: 15 of 1,564,068 alleles (0.00096%); highest among the groups gnomAD compares: East Asian, 0.0023%; no homozygotes.

Submissions (5):

Quest Diagnostics Nichols Institute San Juan Capistrano
Classification: Uncertain significance. Last evaluated: 2025-04-22. Review status: criteria provided, single submitter. Criteria: Quest Diagnostics criteria. Collection method: clinical testing. Allele origin: unknown.
Comment: The PCSK9 c.1510G>T (p.Gly504Trp) variant has been reported in the published literature in individuals with familial hypercholesterolemia (PMIDs: 27206942 (2016) and 31491741 (2019)). The frequency of this variant in the general population (Genome Aggregation Database) is uninformative in the assessment of its pathogenicity. Analysis of this variant using bioinformatics tools for the prediction of the effect of amino acid changes on protein structure and function yielded predictions that this variant is damaging. Based on the available information, we are unable to determine the clinical significance of this variant.

All of Us Research Program, National Institutes of Health
Classification: Uncertain significance for Hypercholesterolemia, autosomal dominant, 3. Last evaluated: 2024-08-30. Review status: criteria provided, single submitter. Criteria: ACMG Guidelines, 2015. Collection method: clinical testing. Allele origin: germline. Inheritance: Autosomal dominant inheritance. Observed: 9 variant alleles, 9 heterozygotes.
Comment: This missense variant replaces glycine with tryptophan at codon 504 of the PCSK9 protein. Computational prediction suggests that this variant may not impact protein structure and function (internally defined REVEL score threshold <= 0.5, PMID: 27666373). To our knowledge, functional studies have not been reported for this variant. This variant has been reported in an individual affected with familial hypercholesterolemia (PMID: 27206942, 31491741). This variant has been identified in 4/173618 chromosomes in the general population by the Genome Aggregation Database (gnomAD). The available evidence is insufficient to determine the role of this variant in disease conclusively. Therefore, this variant is classified as a Variant of Uncertain Significance.

This study involves interpretation of variants in research participants for the purpose of population health screening. Participant phenotype was not available at the time of variant classification. Additional details can be found in publication PMID: 35346344, PMCID: PMC8962531

Color Diagnostics, LLC DBA Color Health
Classification: Uncertain significance for Familial hypercholesterolemia. Last evaluated: 2024-04-29. Review status: criteria provided, single submitter. Criteria: ACMG Guidelines, 2015. Collection method: clinical testing. Allele origin: germline.
Comment: This missense variant replaces glycine with tryptophan at codon 504 of the PCSK9 protein. Computational prediction tools indicate that this variant has a neutral impact on protein structure and function.. To our knowledge, functional studies have not been reported for this variant. This variant has been reported in one individual affected with familial hypercholesterolemia (PMID: 27206942, 31491741). This variant has been identified in 4/173618 chromosomes in the general population by the Genome Aggregation Database (gnomAD). The available evidence is insufficient to determine the role of this variant in disease conclusively. Therefore, this variant is classified as a Variant of Uncertain Significance.

Labcorp Genetics (formerly Invitae), Labcorp
Classification: Uncertain significance for Hypercholesterolemia, autosomal dominant, 3. Last evaluated: 2021-08-31. Review status: criteria provided, single submitter. Criteria: Invitae Variant Classification Sherloc (09022015). Collection method: clinical testing. Allele origin: germline.
Comment: This sequence change replaces glycine with tryptophan at codon 504 of the PCSK9 protein (p.Gly504Trp). The glycine residue is moderately conserved and there is a large physicochemical difference between glycine and tryptophan. This variant is present in population databases (rs374455190, ExAC 0.01%). This missense change has been observed in individual(s) with clinical features of PCSK9-related conditions (PMID: 31491741). ClinVar contains an entry for this variant (Variation ID: 926534). Algorithms developed to predict the effect of missense changes on protein structure and function are either unavailable or do not agree on the potential impact of this missense change (SIFT: "Deleterious"; PolyPhen-2: "Probably Damaging"; Align-GVGD: "Class C0"). In summary, the available evidence is currently insufficient to determine the role of this variant in disease. Therefore, it has been classified as a Variant of Uncertain Significance.

Institute of Human Genetics, University of Leipzig Medical Center
Classification: Uncertain significance for Hypercholesterolemia, autosomal dominant, 3. Last evaluated: 2021-03-18. Review status: criteria provided, single submitter. Criteria: ACMG Guidelines, 2015. Collection method: clinical testing. Allele origin: unknown. Affected: yes.

Literature cited by the submitters: PubMed 31491741 (cited by 4 submitters); PubMed 27206942 (cited by 3 submitters).